The following is an entry in ClinVar:

NM_006939.4(SOS2):c.3764G>A (p.Cys1255Tyr)

Gene: SOS2 (SOS Ras/Rho guanine nucleotide exchange factor 2; minus strand). Cytogenetic location: 14q21.3.
Variant type: single nucleotide variant.
Coding change: c.3764G>A on transcript NM_006939.4 (MANE Select); coding-DNA position 3764, G replaced by A.
Protein change: p.Cys1255Tyr; replaces cysteine 1255 with tyrosine.
Molecular consequence: missense variant.
Genome position (GRCh38, 1-based): chr14:50,118,579, C>T on the plus strand (G>A on the coding strand, the complement: SOS2 is on the minus strand). VCF-style: chr14-50118579-C-T. GRCh37 (hg19) VCF-style: chr14-50585297-C-T.
Other names: c.3665G>A, p.Cys1222Tyr (NM_001411020.1); short protein forms C1255Y, C1222Y.
Identifiers: ClinVar variation 4614997 (VCV004614997.1).

ClinVar aggregate classification (germline): Uncertain significance (1 of 4 stars; one submission).

Conditions:
Cardiovascular phenotype. Identifiers: MedGen CN230736.

Submission:

Ambry Genetics
Classification: Uncertain significance for Cardiovascular phenotype. Last evaluated: 2025-12-02. Review status: criteria provided, single submitter. Criteria: Ambry Variant Classification Scheme 2023. Collection method: clinical testing. Allele origin: germline.
Comment: The p.C1255Y variant (also known as c.3764G>A), located in coding exon 23 of the SOS2 gene, results from a G to A substitution at nucleotide position 3764. The cysteine at codon 1255 is replaced by tyrosine, an amino acid with highly dissimilar properties. This amino acid position is conserved. In addition, this alteration is predicted to be tolerated by in silico analysis. Based on the available evidence, the clinical significance of this variant remains unclear.